The following is an entry in ClinVar:

ClinVar aggregate classification (germline): Uncertain significance (1 of 4 stars; one submission).

Submission:

Labcorp Genetics (formerly Invitae), Labcorp
Classification: Uncertain significance. Last evaluated: 2022-05-04. Review status: criteria provided, single submitter. Criteria: Invitae Variant Classification Sherloc (09022015). Collection method: clinical testing. Allele origin: germline.
Comment: This variant has not been reported in the literature in individuals affected with C8A-related conditions. This variant is not present in population databases (gnomAD no frequency). This sequence change falls in intron 6 of the C8A gene. It does not directly change the encoded amino acid sequence of the C8A protein. It affects a nucleotide within the consensus splice site. In summary, the available evidence is currently insufficient to determine the role of this variant in disease. Therefore, it has been classified as a Variant of Uncertain Significance. Variants that disrupt the consensus splice site are a relatively common cause of aberrant splicing (PMID: 17576681, 9536098). Algorithms developed to predict the effect of sequence changes on RNA splicing suggest that this variant is not likely to affect RNA splicing.

Literature cited by the submitters: PubMed 17576681; PubMed 9536098.

NM_000562.3(C8A):c.856-3C>A

Gene: C8A (complement C8 alpha chain; plus strand). Cytogenetic location: 1p32.2.
Variant type: single nucleotide variant.
Coding change: c.856-3C>A on transcript NM_000562.3 (MANE Select); 3 bases into the intron before coding-DNA position 856, C replaced by A.
Molecular consequence: intron variant.
Genome position (GRCh38, 1-based): chr1:56,885,924, C>A. VCF-style: chr1-56885924-C-A. GRCh37 (hg19) VCF-style: chr1-57351597-C-A.
Identifiers: ClinVar variation 2133599 (VCV002133599.4), dbSNP rs2522552201, ClinGen allele CA2580063062.